The following is an entry in ClinVar:

ClinVar aggregate classification (germline): Conflicting classifications of pathogenicity. Review status: criteria provided, conflicting classifications (1 of 4 stars). 2 submissions from 2 submitters: Likely pathogenic (1); Uncertain significance (1). Last evaluated 2025-11-13.

Conditions:
GNE myopathy (NM). Also called: IBM 2; Inclusion body myopathy autosomal recessive; Inclusion body myopathy quadriceps sparing; NONAKA DISTAL MYOPATHY; INCLUSION BODY MYOPATHY, HEREDITARY, AUTOSOMAL RECESSIVE; INCLUSION BODY MYOPATHY 2, AUTOSOMAL RECESSIVE. Identifiers: Orphanet 602, MedGen C1853926, MONDO:0011603, OMIM 605820.

Submissions (2):

Natera, Inc.
Classification: Likely pathogenic for Nonaka myopathy. Last evaluated: 2025-11-13. Review status: criteria provided, single submitter. Criteria: Natera Variant Classification Schema (03/2026). Collection method: clinical testing. Allele origin: germline.
Comment: The c.1822C>A variant in GNE is a missense variant predicted to cause substitution of proline to threonine at amino acid 608. This variant is rare in the general population with a frequency below the threshold expected for the associated phenotype(s). This variant has been observed in one or more individuals affected with the associated recessive disease, as either homozygous or compound heterozygous with a second variant (PMID: 33250842, 28320138). A different variant at the same position has been determined to be Pathogenic or Likely Pathogenic. Computational prediction algorithms indicate this variant is likely to affect gene or protein function. Given the available evidence, this variant is classified as Likely Pathogenic.

Eurofins Ntd Llc (ga)
Classification: Uncertain significance. Last evaluated: 2016-08-18. Review status: criteria provided, single submitter. Criteria: EGL Classification Definitions 2015. Collection method: clinical testing. Allele origin: germline. Observed: 1 variant allele, 1 homozygote.

Literature cited by the submitters: PubMed 33250842 (cited by Natera, Inc.); PubMed 28320138 (cited by Natera, Inc.).

NM_005476.7(GNE):c.1729C>A (p.Pro577Thr)

Gene: GNE (glucosamine (UDP-N-acetyl)-2-epimerase/N-acetylmannosamine kinase; minus strand). Cytogenetic location: 9p13.3.
Variant type: single nucleotide variant.
Coding change: c.1729C>A on transcript NM_005476.7 (MANE Select); coding-DNA position 1729, C replaced by A.
Protein change: p.Pro577Thr; replaces proline 577 with threonine.
Molecular consequence: missense variant.
Genome position (GRCh38, 1-based): chr9:36,219,925, G>T on the plus strand (C>A on the coding strand, the complement: GNE is on the minus strand). VCF-style: chr9-36219925-G-T. GRCh37 (hg19) VCF-style: chr9-36219922-G-T.
Other names: c.1822C>A (NM_001128227.2); c.1822C>A, p.Pro608Thr (NM_001128227.3); c.1507C>A, p.Pro503Thr (NM_001190383.3); c.1399C>A, p.Pro467Thr (NM_001190384.3); c.1552C>A, p.Pro518Thr (NM_001190388.2, NM_001374798.1); c.1576C>A, p.Pro526Thr (NM_001374797.1); short protein forms P577T, P608T, P467T, P503T, P526T, P518T.
Identifiers: ClinVar variation 290739 (VCV000290739.6), dbSNP rs886044550, ClinGen allele CA10606897.